The following is an entry in ClinVar:

ClinVar aggregate classification (germline): Pathogenic (1 of 4 stars; one submission).

Conditions:
Deficiency of acetyl-CoA acetyltransferase. Also called: MITOCHONDRIAL ACETOACETYL-CoA THIOLASE DEFICIENCY; Beta-ketothiolase deficiency; 3-KETOTHIOLASE DEFICIENCY; 3-OXOTHIOLASE DEFICIENCY. Identifiers: Orphanet 134, MedGen C1536500, MONDO:0008760, OMIM 203750. Disease mechanism: loss of function.

gnomAD v4.1: 2 of 1,614,064 alleles (0.00012%); highest among the groups gnomAD compares: East Asian, 0.0045%; no homozygotes.

Submission:

Centro de Biología Molecular Severo Ochoa, Universidad Autónoma de Madrid
Classification: Pathogenic for Deficiency of acetyl-CoA acetyltransferase. Last evaluated: 2025-11-10. Review status: criteria provided, single submitter. Criteria: ACMG Guidelines, 2015. Collection method: clinical testing. Allele origin: unknown. Inheritance: Autosomal recessive inheritance. Affected: yes.
Comment: This variant meets criteria to be classified as VUS based on the ACMG/AMP criteria applied: PM2, PP3, PM1 and PP2

NM_000019.4(ACAT1):c.841G>A (p.Ala281Thr)

Gene: ACAT1 (acetyl-CoA acetyltransferase 1; plus strand). Cytogenetic location: 11q22.3.
Variant type: single nucleotide variant.
Coding change: c.841G>A on transcript NM_000019.4 (MANE Select); coding-DNA position 841, G replaced by A.
Protein change: p.Ala281Thr; replaces alanine 281 with threonine.
Molecular consequence: missense variant. On other transcripts: non-coding transcript variant (2).
Genome position (GRCh38, 1-based): chr11:108,142,451, G>A. VCF-style: chr11-108142451-G-A. GRCh37 (hg19) VCF-style: chr11-108013178-G-A.
Other names: c.841G>A, p.Ala281Thr (NM_001386677.1); c.526G>A, p.Ala176Thr (NM_001386678.1); c.544G>A, p.Ala182Thr (NM_001386679.1); c.571G>A, p.Ala191Thr (NM_001386681.1, NM_001386682.1, NM_001386685.1 and 6 more transcripts); short protein forms A176T, A182T, A191T, A281T.
Identifiers: ClinVar variation 4529505 (VCV004529505.1).